The following is an entry in ClinVar:

NM_000432.4(MYL2):c.403-4G>C

Gene: MYL2 (myosin light chain 2; minus strand). Cytogenetic location: 12q24.11.
Variant type: single nucleotide variant.
Coding change: c.403-4G>C on transcript NM_000432.4 (MANE Select); 4 bases into the intron before coding-DNA position 403, G replaced by C.
Molecular consequence: intron variant.
Genome position (GRCh38, 1-based): chr12:110,911,179, C>G on the plus strand (G>C on the coding strand, the complement: MYL2 is on the minus strand). VCF-style: chr12-110911179-C-G. GRCh37 (hg19) VCF-style: chr12-111348983-C-G.
Identifiers: ClinVar variation 219525 (VCV000219525.13), dbSNP rs200888544, ClinGen allele CA349991.

ClinVar aggregate classification (germline): Likely benign. Review status: criteria provided, multiple submitters, no conflicts (2 of 4 stars). 3 submissions from 3 submitters: Likely benign (3). Last evaluated 2025-04-28.

Conditions:
Hypertrophic cardiomyopathy 10. Also called: MYL2-Related Familial Hypertrophic Cardiomyopathy; CARDIOMYOPATHY, HYPERTROPHIC, MID-LEFT VENTRICULAR CHAMBER TYPE, 2. Identifiers: MedGen C1834460, MONDO:0012112, OMIM 608758.
Hypertrophic cardiomyopathy. Also called: HYPERTROPHIC MYOCARDIOPATHY. Identifiers: Orphanet 217569, MedGen C0007194, MeSH D002312, MONDO:0005045, HP:0001639.

gnomAD v4.1: 1 of 1,575,780 alleles (0.000063%); highest among the groups gnomAD compares: Non-Finnish European, 0.000086%; no homozygotes.

Submissions (3):

Women's Health and Genetics/Laboratory Corporation of America, LabCorp
Classification: Likely benign. Last evaluated: 2025-04-28. Review status: criteria provided, single submitter. Criteria: LabCorp Variant Classification Summary - May 2015. Collection method: clinical testing. Allele origin: germline.
Comment: Variant summary: MYL2 c.403-4G>C alters a conserved nucleotide located at a position not widely known to affect splicing. Consensus agreement among computation tools predict no significant impact on normal splicing. However, these predictions have yet to be confirmed by functional studies. The variant was absent in 248106 control chromosomes. The available data on variant occurrences in the general population are insufficient to allow any conclusion about variant significance. To our knowledge, no occurrence of c.403-4G>C in individuals affected with Hypertrophic Cardiomyopathy and no experimental evidence demonstrating its impact on protein function have been reported. ClinVar contains an entry for this variant (Variation ID: 219525). Based on the evidence outlined above, the variant was classified as likely benign.

All of Us Research Program, National Institutes of Health
Classification: Likely benign for Hypertrophic cardiomyopathy. Last evaluated: 2023-04-03. Review status: criteria provided, single submitter. Criteria: ACMG Guidelines, 2015. Collection method: clinical testing. Allele origin: germline. Inheritance: Autosomal dominant inheritance. Observed: 1 variant allele, 1 heterozygote.
Comment: This study involves interpretation of variants in research participants for the purpose of population health screening. Participant phenotype was not available at the time of variant classification. Additional details can be found in publication PMID: 35346344, PMCID: PMC8962531

Labcorp Genetics (formerly Invitae), Labcorp
Classification: Likely benign for Hypertrophic cardiomyopathy 10. Last evaluated: 2015-10-30. Review status: criteria provided, single submitter. Criteria: Invitae Variant Classification Sherloc (09022015). Collection method: clinical testing. Allele origin: germline.